The following is an entry in ClinVar:

NM_006073.3(TRDN):c.-459C>G

Gene: TRDN (triadin; minus strand). Cytogenetic location: 6q22.31.
Variant type: single nucleotide variant.
Coding change: c.-459C>G on transcript NM_006073.3; 459 bases upstream of the start codon, C replaced by G.
Genome position (GRCh38, 1-based): chr6:123,637,234, G>C on the plus strand (C>G on the coding strand, the complement: TRDN is on the minus strand). VCF-style: chr6-123637234-G-C. GRCh37 (hg19) VCF-style: chr6-123958379-G-C.
Identifiers: ClinVar variation 680976 (VCV000680976.3), dbSNP rs73540855, ClinGen allele CA147322303.
Genomic context (GRCh38, chr6:123,637,234, plus strand): 5'-ATGAACTACAAAGTACCATCTAAGCCCCCGCAGTTTCTCTAAGATAATTACAGATCCTGG[G>C]GTCTATGTCAGAAAACATGAAATAAAGAGTTGAAAGTAATCTTATCCGTGAGAGCTCAGA-3'

ClinVar aggregate classification (germline): Benign (1 of 4 stars; one submission).

Allele frequency attached by ClinVar (database versions not stated): gnomAD 0.07836 and 0.08378; 1000 Genomes Project 0.08786; gnomAD exomes 0.00993; TOPMed 0.08778; 1000 Genomes Project 30x 0.09135.

Submission:

GeneDx
Classification: Benign. Last evaluated: 2018-06-19. Review status: criteria provided, single submitter. Criteria: GeneDx Variant Classification (06012015). Collection method: clinical testing. Allele origin: germline. Affected: yes.
Comment: This variant is considered likely benign or benign based on one or more of the following criteria: it is a conservative change, it occurs at a poorly conserved position in the protein, it is predicted to be benign by multiple in silico algorithms, and/or has population frequency not consistent with disease.